The following is an entry in ClinVar:

NM_004364.5(CEBPA):c.913C>A (p.Gln305Lys)

Gene: CEBPA (CCAAT enhancer binding protein alpha; minus strand). Cytogenetic location: 19q13.11.
Variant type: single nucleotide variant.
Coding change: c.913C>A on transcript NM_004364.5 (MANE Select); coding-DNA position 913, C replaced by A.
Protein change: p.Gln305Lys; replaces glutamine 305 with lysine.
Molecular consequence: missense variant.
Genome position (GRCh38, 1-based): chr19:33,301,502, G>T on the plus strand (C>A on the coding strand, the complement: CEBPA is on the minus strand). VCF-style: chr19-33301502-G-T. GRCh37 (hg19) VCF-style: chr19-33792408-G-T.
Other names: c.556C>A, p.Gln186Lys (NM_001285829.2); c.1018C>A, p.Gln340Lys (NM_001287424.2); c.871C>A, p.Gln291Lys (NM_001287435.2); c.913C>A (NM_004364.3); short protein forms Q186K, Q340K, Q291K, Q305K.
Identifiers: ClinVar variation 1478963 (VCV001478963.9), dbSNP rs747606716, ClinGen allele CA9363675.

ClinVar aggregate classification (germline): Uncertain significance. Review status: criteria provided, multiple submitters, no conflicts (2 of 4 stars). 2 submissions from 2 submitters: Uncertain significance (2). Last evaluated 2025-02-26.

Conditions:
Inborn genetic diseases. Identifiers: MedGen C0950123, MeSH D030342.
Acute myeloid leukemia (AML). Also called: Leukemia, acute myeloid, somatic; Leukemia, acute myelogenous, somatic; Acute myeloid leukemia, adult; AML adult; Acute non-lymphocytic leukemia; Acute granulocytic leukemia. Identifiers: Orphanet 519, MedGen C0023467, MeSH D015470, MONDO:0018874, OMIM 601626, HP:0004808. Disease mechanism: Constitutively activated FLT3.

Allele frequency attached by ClinVar (database versions not stated): gnomAD exomes below 0.00001; ExAC 0.00001; gnomAD 0.00001; TOPMed 0.00001.

Submissions (2):

Ambry Genetics
Classification: Uncertain significance for Inborn genetic diseases. Last evaluated: 2025-02-26. Review status: criteria provided, single submitter. Criteria: Ambry Variant Classification Scheme 2023. Collection method: clinical testing. Allele origin: germline.
Comment: The p.Q305K variant (also known as c.913C>A), located in coding exon 1 of the CEBPA gene, results from a C to A substitution at nucleotide position 913. The glutamine at codon 305 is replaced by lysine, an amino acid with similar properties. This amino acid position is conserved. In addition, this alteration is predicted to be tolerated by in silico analysis. Based on the available evidence, the clinical significance of this variant remains unclear.

Labcorp Genetics (formerly Invitae), Labcorp
Classification: Uncertain significance for Acute myeloid leukemia. Last evaluated: 2021-07-08. Review status: criteria provided, single submitter. Criteria: Invitae Variant Classification Sherloc (09022015). Collection method: clinical testing. Allele origin: germline.
Comment: In summary, the available evidence is currently insufficient to determine the role of this variant in disease. Therefore, it has been classified as a Variant of Uncertain Significance. Algorithms developed to predict the effect of missense changes on protein structure and function are either unavailable or do not agree on the potential impact of this missense change (SIFT: "Tolerated"; PolyPhen-2: "Possibly Damaging"; Align-GVGD: "Class C0"). This sequence change replaces glutamine with lysine at codon 305 of the CEBPA protein (p.Gln305Lys). The glutamine residue is moderately conserved and there is a small physicochemical difference between glutamine and lysine. This variant is present in population databases (rs747606716, ExAC 0.01%). This variant has not been reported in the literature in individuals affected with CEBPA-related conditions.